The following is an entry in ClinVar:

ClinVar aggregate classification (germline): Likely benign (0 of 4 stars; one submission).

Conditions:
MYO1F-related disorder. Also called: MYO1F-related condition.

Allele frequency attached by ClinVar (database versions not stated): 1000 Genomes Project 30x 0.00031; 1000 Genomes Project 0.00040; TOPMed 0.00109; ESP Exome Variant Server 0.00161; ExAC 0.00205; gnomAD 0.00218; gnomAD exomes 0.00256.
gnomAD v4.1: 4,000 of 1,613,196 alleles (0.25%); highest among the groups gnomAD compares: Non-Finnish European, 0.24%; 14 homozygotes.

Submission:

PreventionGenetics, part of Exact Sciences
Classification: Likely benign for MYO1F-related condition. Last evaluated: 2019-10-18. Review status: no assertion criteria provided. Collection method: clinical testing. Allele origin: germline.
Comment: This variant is classified as likely benign based on ACMG/AMP sequence variant interpretation guidelines (Richards et al. 2015 PMID: 25741868, with internal and published modifications).

NM_012335.4(MYO1F):c.3080G>A (p.Arg1027Gln)

Gene: MYO1F (myosin IF; minus strand). Cytogenetic location: 19p13.2.
Variant type: single nucleotide variant.
Coding change: c.3080G>A on transcript NM_012335.4 (MANE Select); coding-DNA position 3080, G replaced by A.
Protein change: p.Arg1027Gln; replaces arginine 1027 with glutamine.
Molecular consequence: missense variant.
Genome position (GRCh38, 1-based): chr19:8,522,517, C>T on the plus strand (G>A on the coding strand, the complement: MYO1F is on the minus strand). VCF-style: chr19-8522517-C-T. GRCh37 (hg19) VCF-style: chr19-8587401-C-T.
Other names: c.3068G>A, p.Arg1023Gln (NM_001348355.2); short protein forms R1023Q, R1027Q.
Identifiers: ClinVar variation 3045334 (VCV003045334.2), dbSNP rs200864651, ClinGen allele CA9158670.